The following is an entry in ClinVar:

ClinVar aggregate classification (germline): Uncertain significance. Review status: criteria provided, multiple submitters, no conflicts (2 of 4 stars). 4 submissions from 4 submitters: Uncertain significance (4). Last evaluated 2025-01-07.

Conditions:
Maturity-onset diabetes of the young (MODY). Also called: Maturity onset diabetes mellitus in young. Identifiers: Orphanet 552, MedGen C0342276, MONDO:0018911, HP:0004904.
Renal cysts and diabetes syndrome (RCAD). Also called: MATURITY-ONSET DIABETES OF THE YOUNG, TYPE 5; Familial hypoplastic, glomerulocystic kidney. Identifiers: Orphanet 93111, MedGen C0431693, MONDO:0007669, OMIM 137920.

gnomAD v4.1: 1 of 1,614,118 alleles (0.000062%); no homozygotes.

Submissions (4):

Labcorp Genetics (formerly Invitae), Labcorp
Classification: Uncertain significance. Last evaluated: 2025-01-07. Review status: criteria provided, single submitter. Criteria: Invitae Variant Classification Sherloc (09022015). Collection method: clinical testing. Allele origin: germline.
Comment: This sequence change replaces arginine, which is basic and polar, with cysteine, which is neutral and slightly polar, at codon 303 of the HNF1B protein (p.Arg303Cys). This variant is not present in population databases (gnomAD no frequency). This missense change has been observed in individual(s) with HNF1B-related conditions (PMID: 36090499). ClinVar contains an entry for this variant (Variation ID: 2231273). Invitae Evidence Modeling of protein sequence and biophysical properties (such as structural, functional, and spatial information, amino acid conservation, physicochemical variation, residue mobility, and thermodynamic stability) has been performed for this missense variant. However, the output from this modeling did not meet the statistical confidence thresholds required to predict the impact of this variant on HNF1B protein function. This variant disrupts the p.Arg303 amino acid residue in HNF1B. Other variant(s) that disrupt this residue have been observed in individuals with HNF1B-related conditions (PMID: 36090499), which suggests that this may be a clinically significant amino acid residue. In summary, the available evidence is currently insufficient to determine the role of this variant in disease. Therefore, it has been classified as a Variant of Uncertain Significance.

GeneDx
Classification: Uncertain significance. Last evaluated: 2024-05-07. Review status: criteria provided, single submitter. Criteria: GeneDx Variant Classification Process June 2021. Collection method: clinical testing. Allele origin: germline. Affected: yes.
Comment: Not observed at significant frequency in large population cohorts (gnomAD); In silico analysis supports that this missense variant has a deleterious effect on protein structure/function; Has not been previously published as pathogenic or benign to our knowledge; This variant is associated with the following publications: (PMID: 36090499, 17924661)

Institute of Human Genetics, University of Leipzig Medical Center
Classification: Uncertain significance for Renal cysts and diabetes syndrome. Last evaluated: 2024-02-16. Review status: criteria provided, single submitter. Criteria: ACMG Guidelines, 2015. Collection method: clinical testing. Allele origin: unknown. Inheritance: Autosomal dominant inheritance. Affected: yes.
Comment: Criteria applied: PM1,PM2_SUP,PP3

Ambry Genetics
Classification: Uncertain significance for Maturity-onset diabetes of the young. Last evaluated: 2021-06-03. Review status: criteria provided, single submitter. Criteria: Ambry Variant Classification Scheme 2023. Collection method: clinical testing. Allele origin: germline.

Literature cited by the submitters: PubMed 36090499 (cited by Labcorp Genetics (formerly Invitae), Labcorp).

NM_000458.4(HNF1B):c.907C>T (p.Arg303Cys)

Gene: HNF1B (HNF1 homeobox B; minus strand). Cytogenetic location: 17q12.
Variant type: single nucleotide variant.
Coding change: c.907C>T on transcript NM_000458.4 (MANE Select); coding-DNA position 907, C replaced by T.
Protein change: p.Arg303Cys; replaces arginine 303 with cysteine.
Molecular consequence: missense variant.
Genome position (GRCh38, 1-based): chr17:37,731,733, G>A on the plus strand (C>T on the coding strand, the complement: HNF1B is on the minus strand). VCF-style: chr17-37731733-G-A. GRCh37 (hg19) VCF-style: chr17-36091724-G-A.
Other names: c.829C>T, p.Arg277Cys (NM_001165923.4, NM_001304286.2); c.907C>T, p.Arg303Cys (NM_001411100.1); short protein forms R277C, R303C.
Identifiers: ClinVar variation 2231273 (VCV002231273.7), dbSNP rs2033692513, ClinGen allele CA398746771.